The following is an entry in ClinVar:

NM_020884.7(MYH7B):c.3043G>A (p.Gly1015Ser)

Gene: MYH7B (myosin heavy chain 7B; plus strand). Cytogenetic location: 20q11.22.
Variant type: single nucleotide variant.
Coding change: c.3043G>A on transcript NM_020884.7 (MANE Select); coding-DNA position 3043, G replaced by A.
Protein change: p.Gly1015Ser; replaces glycine 1015 with serine.
Molecular consequence: missense variant.
Genome position (GRCh38, 1-based): chr20:34,996,445, G>A. VCF-style: chr20-34996445-G-A. GRCh37 (hg19) VCF-style: chr20-33584248-G-A.
Other names: c.3169G>A (NM_020884.3); short protein forms G1015S.
Identifiers: ClinVar variation 1406684 (VCV001406684.8), dbSNP rs201233520, ClinGen allele CA9827587.

ClinVar aggregate classification (germline): Uncertain significance. Review status: criteria provided, multiple submitters, no conflicts (2 of 4 stars). 2 submissions from 2 submitters: Uncertain significance (2). Last evaluated 2025-10-13.

Allele frequency attached by ClinVar (database versions not stated): ExAC 0.00041; gnomAD exomes 0.00050 and 0.00114; gnomAD 0.00052 and 0.00053; TOPMed 0.00056; ESP Exome Variant Server 0.00069.
gnomAD v4.1: 1,749 of 1,613,550 alleles (0.11%); highest among the groups gnomAD compares: Non-Finnish European, 0.14%; 2 homozygotes.

Submissions (2):

Labcorp Genetics (formerly Invitae), Labcorp
Classification: Uncertain significance. Last evaluated: 2025-10-13. Review status: criteria provided, single submitter. Criteria: Invitae Variant Classification Sherloc (09022015). Collection method: clinical testing. Allele origin: germline.
Comment: This sequence change replaces glycine, which is neutral and non-polar, with serine, which is neutral and polar, at codon 1057 of the MYH7B protein (p.Gly1057Ser). This variant is present in population databases (rs201233520, gnomAD 0.09%), and has an allele count higher than expected for a pathogenic variant. This variant has not been reported in the literature in individuals affected with MYH7B-related conditions. ClinVar contains an entry for this variant (Variation ID: 1406684). Invitae Evidence Modeling of protein sequence and biophysical properties (such as structural, functional, and spatial information, amino acid conservation, physicochemical variation, residue mobility, and thermodynamic stability) indicates that this missense variant is not expected to disrupt MYH7B protein function with a negative predictive value of 80%. In summary, the available evidence is currently insufficient to determine the role of this variant in disease. Therefore, it has been classified as a Variant of Uncertain Significance.

Ambry Genetics
Classification: Uncertain significance. Last evaluated: 2024-04-24. Review status: criteria provided, single submitter. Criteria: Ambry Variant Classification Scheme 2023. Collection method: clinical testing. Allele origin: germline.